The following is an entry in ClinVar:

ClinVar aggregate classification (germline): Uncertain significance (1 of 4 stars; one submission).

Conditions:
Immunodeficiency, common variable, 10. Also called: IMMUNODEFICIENCY, COMMON VARIABLE, WITH CENTRAL ADRENAL INSUFFICIENCY; DEFICIT IN ANTERIOR PITUITARY FUNCTION AND VARIABLE IMMUNODEFICIENCY. Identifiers: MedGen C3809991, MONDO:0014260, OMIM 615577.

Submission:

Labcorp Genetics (formerly Invitae), Labcorp
Classification: Uncertain significance for Immunodeficiency, common variable, 10. Last evaluated: 2025-05-27. Review status: criteria provided, single submitter. Criteria: Invitae Variant Classification Sherloc (09022015). Collection method: clinical testing. Allele origin: germline.
Comment: This sequence change replaces leucine, which is neutral and non-polar, with phenylalanine, which is neutral and non-polar, at codon 582 of the NFKB2 protein (p.Leu582Phe). This variant is not present in population databases (gnomAD no frequency). This variant has not been reported in the literature in individuals affected with NFKB2-related conditions. ClinVar contains an entry for this variant (Variation ID: 661913). An algorithm developed to predict the effect of missense changes on protein structure and function (PolyPhen-2) suggests that this variant is likely to be disruptive. In summary, the available evidence is currently insufficient to determine the role of this variant in disease. Therefore, it has been classified as a Variant of Uncertain Significance.

NM_001322934.2(NFKB2):c.1744C>T (p.Leu582Phe)

Gene: NFKB2 (nuclear factor kappa B subunit 2; plus strand). Cytogenetic location: 10q24.32.
Variant type: single nucleotide variant.
Coding change: c.1744C>T on transcript NM_001322934.2 (MANE Select); coding-DNA position 1744, C replaced by T.
Protein change: p.Leu582Phe; replaces leucine 582 with phenylalanine.
Molecular consequence: missense variant.
Genome position (GRCh38, 1-based): chr10:102,400,437, C>T. VCF-style: chr10-102400437-C-T. GRCh37 (hg19) VCF-style: chr10-104160194-C-T.
Other names: c.1744C>T, p.Leu582Phe (LRG_1347t1, NM_001077494.3, NM_001261403.3 and 2 more transcripts); c.1618C>T, p.Leu540Phe (NM_001322935.1); short protein forms L540F, L582F.
Identifiers: ClinVar variation 661913 (VCV000661913.8), dbSNP rs1589867900, ClinGen allele CA377902124.